The following is an entry in ClinVar:

ClinVar aggregate classification (germline): Uncertain significance (1 of 4 stars; one submission).

Submission:

Labcorp Genetics (formerly Invitae), Labcorp
Classification: Uncertain significance. Last evaluated: 2025-08-06. Review status: criteria provided, single submitter. Criteria: Invitae Variant Classification Sherloc (09022015). Collection method: clinical testing. Allele origin: germline.
Comment: This sequence change replaces isoleucine, which is neutral and non-polar, with valine, which is neutral and non-polar, at codon 346 of the C3 protein (p.Ile346Val). This variant is not present in population databases (gnomAD no frequency). This variant has not been reported in the literature in individuals affected with C3-related conditions. Invitae Evidence Modeling of protein sequence and biophysical properties (such as structural, functional, and spatial information, amino acid conservation, physicochemical variation, residue mobility, and thermodynamic stability) indicates that this missense variant is not expected to disrupt C3 protein function with a negative predictive value of 80%. In summary, the available evidence is currently insufficient to determine the role of this variant in disease. Therefore, it has been classified as a Variant of Uncertain Significance.

NM_000064.4(C3):c.1036A>G (p.Ile346Val)

Gene: C3 (complement C3; minus strand). Cytogenetic location: 19p13.3.
Variant type: single nucleotide variant.
Coding change: c.1036A>G on transcript NM_000064.4 (MANE Select); coding-DNA position 1036, A replaced by G.
Protein change: p.Ile346Val; replaces isoleucine 346 with valine.
Molecular consequence: missense variant.
Genome position (GRCh38, 1-based): chr19:6,712,591, T>C on the plus strand (A>G on the coding strand, the complement: C3 is on the minus strand). VCF-style: chr19-6712591-T-C. GRCh37 (hg19) VCF-style: chr19-6712602-T-C.
Other names: short protein forms I346V.
Identifiers: ClinVar variation 4778645 (VCV004778645.1).
Genomic context (GRCh38, chr19:6,712,591, plus strand): 5'-GTTTGAAGTACTTGGGTGTCTTGGTGAAGTGGATCTGGTAGGGAGAGGTCACGATGGGGA[T>C]CCCGCTGCGCTCTGCCTGCACCATGTCACTGCCTGAGGGGACCAGCTGTGAGTGTAGGCT-3'
Protein context (NP_000055.2, residues 336-356): SDMVQAERSG[Ile346Val]PIVTSPYQIH